The following is an entry in ClinVar:

NM_000153.4(GALC):c.284dup (p.Leu95fs)

Gene: GALC (galactosylceramidase; minus strand). Cytogenetic location: 14q31.3.
Variant type: Duplication.
Coding change: c.284dup on transcript NM_000153.4 (MANE Select); coding-DNA position 284, one base duplicated (T; older notation c.284dupT).
Protein change: p.Leu95fs; shifts the reading frame from leucine 95.
Molecular consequence: frameshift variant.
Genome position (GRCh38, 1-based): chr14:87,988,188, A duplicated on the plus strand (T on the coding strand, the reverse complement: GALC is on the minus strand); the first of 3 consecutive A bases (chr14:87,988,188-87,988,190); duplicating any one gives the same sequence. VCF-style (leftmost placement, unchanged base first): chr14-87988187-C-CA. GRCh37 (hg19) VCF-style: chr14-88454531-C-CA.
Other names: c.215dup, p.Leu72fs (NM_001201401.2); c.206dup, p.Leu69fs (NM_001201402.2); short protein forms L69fs, L72fs, L95fs.
Identifiers: ClinVar variation 1878646 (VCV001878646.1), dbSNP rs2139758767, ClinGen allele CA2580088860.

ClinVar aggregate classification (germline): Likely pathogenic (1 of 4 stars; one submission).

Conditions:
Galactosylceramide beta-galactosidase deficiency. Also called: Krabbe Disease; Leukodystrophy, Globoid Cell; GALACTOCEREBROSIDASE DEFICIENCY; GALC DEFICIENCY; GLOBOID CELL LEUKOENCEPHALOPATHY. Identifiers: Orphanet 487, MedGen C0023521, MONDO:0009499, OMIM 245200.

Submission:

Neuberg Centre For Genomic Medicine, NCGM
Classification: Likely pathogenic for Galactosylceramide beta-galactosidase deficiency. Review status: criteria provided, single submitter. Criteria: ACMG Guidelines, 2015. Collection method: clinical testing. Allele origin: germline. Affected: yes.
Comment: The frameshift duplication p.L95Ffs*11 in GALC (NM_000153.4) has not been reported previously as a pathogenic variant nor as a benign variant, to our knowledge. The p.L95Ffs*11 variant is novel (not in any individuals) in gnomAD Exomes and is novel (not in any individuals) in 1000 Genomes. This variant is predicted to cause loss of normal protein function through protein truncation. Loss of function mutation have been reported to be disease causing previously. For these reasons, this variant has been classified as Likely Pathogenic